The following is an entry in ClinVar:

ClinVar aggregate classification (germline): Uncertain significance (1 of 4 stars; one submission).

Submission:

Labcorp Genetics (formerly Invitae), Labcorp
Classification: Uncertain significance. Last evaluated: 2023-10-05. Review status: criteria provided, single submitter. Criteria: Invitae Variant Classification Sherloc (09022015). Collection method: clinical testing. Allele origin: germline.
Comment: This sequence change replaces lysine, which is basic and polar, with glutamic acid, which is acidic and polar, at codon 409 of the MAP3K7 protein (p.Lys409Glu). This variant is present in population databases (no rsID available, gnomAD 0.003%). This variant has not been reported in the literature in individuals affected with MAP3K7-related conditions. An algorithm developed to predict the effect of missense changes on protein structure and function (PolyPhen-2) suggests that this variant is likely to be tolerated. In summary, the available evidence is currently insufficient to determine the role of this variant in disease. Therefore, it has been classified as a Variant of Uncertain Significance.

NM_145331.3(MAP3K7):c.1225A>G (p.Lys409Glu)

Gene: MAP3K7 (mitogen-activated protein kinase kinase kinase 7; minus strand). Cytogenetic location: 6q15.
Variant type: single nucleotide variant.
Coding change: c.1225A>G on transcript NM_145331.3 (MANE Select); coding-DNA position 1225, A replaced by G.
Protein change: p.Lys409Glu; replaces lysine 409 with glutamic acid.
Molecular consequence: missense variant. On other transcripts: intron variant (2).
Genome position (GRCh38, 1-based): chr6:90,544,618, T>C on the plus strand (A>G on the coding strand, the complement: MAP3K7 is on the minus strand). VCF-style: chr6-90544618-T-C. GRCh37 (hg19) VCF-style: chr6-91254337-T-C.
Other names: c.1225A>G, p.Lys409Glu (NM_145332.3); c.1210+2640A>G (NM_145333.3, NM_003188.4); short protein forms K409E.
Identifiers: ClinVar variation 2991994 (VCV002991994.3), dbSNP rs1307538507, ClinGen allele CA365008433.